The following is an entry in ClinVar:

NM_000215.4(JAK3):c.2787T>G (p.Tyr929Ter)

Gene: JAK3 (Janus kinase 3; minus strand). Cytogenetic location: 19p13.11.
Variant type: single nucleotide variant.
Coding change: c.2787T>G on transcript NM_000215.4 (MANE Select); coding-DNA position 2787, T replaced by G.
Protein change: p.Tyr929Ter; replaces tyrosine 929 with a stop codon.
Molecular consequence: nonsense.
Genome position (GRCh38, 1-based): chr19:17,831,692, A>C on the plus strand (T>G on the coding strand, the complement: JAK3 is on the minus strand). VCF-style: chr19-17831692-A-C. GRCh37 (hg19) VCF-style: chr19-17942501-A-C.
Other names: short protein forms Y929*.
Identifiers: ClinVar variation 2736843 (VCV002736843.3), dbSNP rs1359327847, ClinGen allele CA404765564.
Genomic context (GRCh38, chr19:17,831,692, plus strand): 5'-TGCCAGCTGAATCCCCACAAGTCCCGGGGCGCCCCCTCGCACCTTGCAGATCTGCGAGGA[A>C]TAGAGAAGGAGGCGGCTGGCATCGAGGCGCGCGCGGTGCCGCTGCAGGAAGTCGCGCAAG-3'

ClinVar aggregate classification (germline): Pathogenic (1 of 4 stars; one submission).

Conditions:
T-B+ severe combined immunodeficiency due to JAK3 deficiency. Also called: SCID, T CELL-NEGATIVE, B CELL-POSITIVE, NK CELL-NEGATIVE; SCID, autosomal recessive, T-negative/B-positive type. Identifiers: Orphanet 35078, MedGen C1833275, MONDO:0010938, OMIM 600802.

Submission:

Labcorp Genetics (formerly Invitae), Labcorp
Classification: Pathogenic for T-B+ severe combined immunodeficiency due to JAK3 deficiency. Last evaluated: 2023-02-16. Review status: criteria provided, single submitter. Criteria: Invitae Variant Classification Sherloc (09022015). Collection method: clinical testing. Allele origin: germline.
Comment: This sequence change creates a premature translational stop signal (p.Tyr929*) in the JAK3 gene. It is expected to result in an absent or disrupted protein product. Loss-of-function variants in JAK3 are known to be pathogenic (PMID: 7481768, 11668621). For these reasons, this variant has been classified as Pathogenic. This premature translational stop signal has been observed in individual(s) with severe combined immunodeficiency (PMID: 14615376). This variant is not present in population databases (gnomAD no frequency).

Literature cited by the submitters: PubMed 7481768; PubMed 11668621; PubMed 14615376.